The following is an entry in ClinVar:

NM_006208.3(ENPP1):c.*3724C>T

Gene: ENPP1 (ectonucleotide pyrophosphatase/phosphodiesterase 1; plus strand). Cytogenetic location: 6q23.2.
Variant type: single nucleotide variant.
Coding change: c.*3724C>T on transcript NM_006208.3 (MANE Select); 3724 bases downstream of the stop codon, C replaced by T.
Molecular consequence: 3 prime UTR variant.
Genome position (GRCh38, 1-based): chr6:131,894,235, C>T. VCF-style: chr6-131894235-C-T. GRCh37 (hg19) VCF-style: chr6-132215375-C-T.
Identifiers: ClinVar variation 355424 (VCV000355424.5), dbSNP rs2327154, ClinGen allele CA10621450.
Genomic context (GRCh38, chr6:131,894,235, plus strand): 5'-CGATCTCCTGACCTTGTGATCTGCCCGCCTCGGCCTCCCAAAGTGCTGGGATTACAGGCT[C>T]GAGCCACTGCCTCCAGCCTATCCTGATTTCTACTGTCATGCCTCACATCAGTCCTTTTTT-3'

ClinVar aggregate classification (germline): Benign. Review status: criteria provided, single submitter (1 of 4 stars). 2 submissions from 1 submitter: Benign (2). Last evaluated 2018-01-13.

Conditions:
Hypophosphatemic rickets, autosomal recessive, 2 (ARHR2). Identifiers: Orphanet 289176, MedGen C2750078, MONDO:0013219, OMIM 613312.
Arterial calcification, generalized, of infancy, 1 (GACI1). Also called: Idiopathic Infantile Arterial Calcification. Identifiers: Orphanet 51608, MedGen C4551985, MONDO:0008817, OMIM 208000.

Allele frequency attached by ClinVar (database versions not stated): gnomAD exomes 0.24490; gnomAD 0.46831 and 0.46998; TOPMed 0.50096; 1000 Genomes Project 0.56749; 1000 Genomes Project 30x 0.57761.
gnomAD v4.1: 70,414 of 150,684 alleles (47%); highest among the groups gnomAD compares: African/African-American, 84%; 21,130 homozygotes.

Submissions (2):

Illumina Laboratory Services, Illumina
Classification: Benign for Arterial calcification, generalized, of infancy, 1. Last evaluated: 2018-01-13. Review status: criteria provided, single submitter. Criteria: ICSL Variant Classification Criteria 13 December 2019. Collection method: clinical testing. Allele origin: germline.
Comment: This variant was observed in the ICSL laboratory as part of a predisposition screen in an ostensibly healthy population. It had not been previously curated by ICSL or reported in the Human Gene Mutation Database (HGMD: prior to June 1st, 2018), and was therefore a candidate for classification through an automated scoring system. Utilizing variant allele frequency, disease prevalence and penetrance estimates, and inheritance mode, an automated score was calculated to assess if this variant is too frequent to cause the disease. Based on the score and internal cut-off values, a variant classified as benign is not then subjected to further curation. The score for this variant resulted in a classification of benign for this disease.

Illumina Laboratory Services, Illumina
Classification: Benign for Hypophosphatemic rickets, autosomal recessive, 2. Last evaluated: 2018-01-13. Review status: criteria provided, single submitter. Criteria: ICSL Variant Classification Criteria 13 December 2019. Collection method: clinical testing. Allele origin: germline.
Comment: the same text as in the submission from Illumina Laboratory Services, Illumina above.